The following is an entry in ClinVar:

ClinVar aggregate classification (germline): Pathogenic (1 of 4 stars; one submission).

Conditions:
CHD7-related CHARGE syndrome. Identifiers: MedGen CN380413, MONDO:1010178, OMIM 214800.

Submission:

Variantyx, Inc.
Classification: Pathogenic for CHD7-related CHARGE syndrome. Last evaluated: 2025-05-18. Review status: criteria provided, single submitter. Criteria: Variantyx Assertion Criteria 2022. Collection method: clinical testing. Allele origin: germline. Inheritance: Autosomal recessive inheritance. Affected: yes.
Comment: This is a frameshift variant in the CHD7 gene (OMIM: 608892). Pathogenic variants in this gene have been associated with autosomal dominant CHARGE syndrome. This variant introduces a premature termination codon in exon 16 out of 38 and is expected to result in loss of function, which is a known disease mechanism for CHD7 in this disorder (PMID: 19248844, 16400610, 21158681) (PVS1). This variant is absent from control populations (PM2). Based on the current evidence, this variant is classified as pathogenic for autosomal dominant CHARGE syndrome.

Literature cited by the submitters: PubMed 19248844; PubMed 16400610; PubMed 21158681.

NM_017780.4(CHD7):c.3961del (p.Ile1321fs)

Gene: CHD7 (chromodomain helicase DNA binding protein 7; plus strand). Cytogenetic location: 8q12.2.
Variant type: Deletion.
Coding change: c.3961del on transcript NM_017780.4 (MANE Select); coding-DNA position 3961, one base deleted (A; older notation c.3961delA).
Protein change: p.Ile1321fs; shifts the reading frame from isoleucine 1321.
Molecular consequence: frameshift variant. On other transcripts: intron variant (1).
Genome position (GRCh38, 1-based): chr8:60,836,255, A deleted. VCF-style (leftmost placement, unchanged base first): chr8-60836254-CA-C. GRCh37 (hg19) VCF-style: chr8-61748813-CA-C.
Other names: c.1717-25974del (NM_001316690.1); short protein forms I1321fs.
Identifiers: ClinVar variation 4813810 (VCV004813810.1).